The following is an entry in ClinVar:

NM_001378454.1(ALMS1):c.925C>T (p.Gln309Ter)

Gene: ALMS1 (ALMS1 centrosome and basal body associated protein; plus strand). Cytogenetic location: 2p13.1.
Variant type: single nucleotide variant.
Coding change: c.925C>T on transcript NM_001378454.1 (MANE Select); coding-DNA position 925, C replaced by T.
Protein change: p.Gln309Ter; replaces glutamine 309 with a stop codon.
Molecular consequence: nonsense.
Genome position (GRCh38, 1-based): chr2:73,424,590, C>T. VCF-style: chr2-73424590-C-T. GRCh37 (hg19) VCF-style: chr2-73651718-C-T.
Other names: c.928C>T, p.Gln310Ter (NM_015120.4); short protein forms Q310*, Q309*.
Identifiers: ClinVar variation 620384 (VCV000620384.2), dbSNP rs1558639213, ClinGen allele CA347260906.

ClinVar aggregate classification (germline): Pathogenic (1 of 4 stars; one submission).

Submission:

GeneDx
Classification: Pathogenic. Last evaluated: 2019-04-09. Review status: criteria provided, single submitter. Criteria: GeneDx Variant Classification Process June 2021. Collection method: clinical testing. Allele origin: germline. Affected: yes.
Comment: Nonsense variant predicted to result in protein truncation or nonsense mediated decay in a gene for which loss-of-function is a known mechanism of disease; Not observed in large population cohorts (Lek et al., 2016)